The following is an entry in ClinVar:

NM_003742.4(ABCB11):c.2576C>G (p.Thr859Arg)

Gene: ABCB11 (ATP binding cassette subfamily B member 11; minus strand). Cytogenetic location: 2q31.1.
Variant type: single nucleotide variant.
Coding change: c.2576C>G on transcript NM_003742.4 (MANE Select); coding-DNA position 2576, C replaced by G.
Protein change: p.Thr859Arg; replaces threonine 859 with arginine.
Molecular consequence: missense variant.
Genome position (GRCh38, 1-based): chr2:168,944,639, G>C on the plus strand (C>G on the coding strand, the complement: ABCB11 is on the minus strand). VCF-style: chr2-168944639-G-C. GRCh37 (hg19) VCF-style: chr2-169801149-G-C.
Other names: NM_003742.4:c.2576C>G; short protein forms T859R.
Identifiers: ClinVar variation 3776852 (VCV003776852.2).
Genomic context (GRCh38, chr2:168,944,639, plus strand): 5'-CTTCTATTTCCCCTCCCATAGCTCACCCCTTGAACTTGGGAAGCATCTGTAGCAAGTCTT[G>C]TTGTCAATGCTCCAGGGCTATTTCTGAGGTCATCAAACCAGGCAATATCTTGCCCCAGCA-3'
Protein context (NP_003733.2, residues 849-869): DLRNSPGALT[Thr859Arg]RLATDASQVQ

ClinVar aggregate classification (germline): Uncertain significance. Review status: criteria provided, multiple submitters, no conflicts (2 of 4 stars). 2 submissions from 2 submitters: Uncertain significance (2). Last evaluated 2026-04-14.

Conditions:
Progressive familial intrahepatic cholestasis type 2. Identifiers: Orphanet 79304, MedGen C3489789, MONDO:0011156, OMIM 601847.
Familial intrahepatic cholestasis. Identifiers: Orphanet 284385, MedGen CN296401, MONDO:0017290.

gnomAD v4.1: 2 of 1,611,340 alleles (0.00012%); highest among the groups gnomAD compares: Non-Finnish European, 0.00017%; no homozygotes.

Submissions (2):

Genomenon, Inc
Classification: Uncertain significance for Familial intrahepatic cholestasis. Last evaluated: 2026-04-14. Review status: criteria provided, single submitter. Criteria: Genomenon Sequence Variant Interpretation Standards - Updated. Collection method: curation. Allele origin: germline. Affected: yes.
Comment: ABCB11 p.Thr859Arg (c.2576C>G) is a missense variant that changes the amino acid at residue 859 from Threonine to Arginine. This variant has been observed in at least one proband with an ABCB11-related disorder (PMID:18395098). At least one splicing study demonstrated no effect on splicing (PMID:19101985). It is absent or not present at a significant frequency in gnomAD. In silico models predict that this variant is possibly or probably damaging. In conclusion, we classify ABCB11 p.Thr859Arg (c.2576C>G) as a variant of uncertain significance.

Broad Center for Mendelian Genomics, Broad Institute of MIT and Harvard
Classification: Uncertain significance for Progressive familial intrahepatic cholestasis type 2. Last evaluated: 2025-01-24. Review status: criteria provided, single submitter. Criteria: ACMG Guidelines, 2015. Collection method: curation. Allele origin: germline. Inheritance: Autosomal recessive inheritance.
Comment: The p.Thr859Arg variant in ABCB11 has been reported in one individual, in the compound heterozygous state, with BSEP deficiency (PMID: 18395098), and has been identified in 0.0002% (2/1178572) of European (non-Finnish) chromosomes by the Genome Aggregation Database (gnomAD; dbSNP rs1452420308). Although this variant has been seen in the general population in a heterozygous state, its frequency is low enough to be consistent with a recessive carrier frequency. Computational prediction tools and conservation analyses suggest that this variant may impact the protein, though this information is not predictive enough to determine pathogenicity. In summary, while there is some suspicion for a pathogenic role, the clinical significance of this variant is uncertain. ACMG/AMP Criteria applied: PP3_moderate, PM2_supporting, PM3 (Richards 2015).

Literature cited by the submitters: PubMed 18395098 (cited by Genomenon, Inc); PubMed 19101985 (cited by Genomenon, Inc).